The following is an entry in ClinVar:

NM_013266.4(CTNNA3):c.2036A>T (p.Asp679Val)

Gene: CTNNA3 (catenin alpha 3; minus strand). Cytogenetic location: 10q21.3.
Variant type: single nucleotide variant.
Coding change: c.2036A>T on transcript NM_013266.4 (MANE Select); coding-DNA position 2036, A replaced by T.
Protein change: p.Asp679Val; replaces aspartic acid 679 with valine.
Molecular consequence: missense variant.
Genome position (GRCh38, 1-based): chr10:66,069,431, T>A on the plus strand (A>T on the coding strand, the complement: CTNNA3 is on the minus strand). VCF-style: chr10-66069431-T-A. GRCh37 (hg19) VCF-style: chr10-67829189-T-A.
Other names: c.2036A>T, p.Asp679Val (NM_001127384.3); short protein forms D679V.
Identifiers: ClinVar variation 1784817 (VCV001784817.5), dbSNP rs777251738, ClinGen allele CA5519713.
Genomic context (GRCh38, chr10:66,069,431, plus strand): 5'-TTGCTTGTATCATCCCATATCTCAATCTCAGCATCCAGCTTACTCTTTACTTTCTTGAAA[T>A]CAGCAACTTGCTCAGCAATCTTTTCTTTTTCTGCCTCAGGCAGTTGAGTCATCTTAGCCT-3'
Protein context (NP_037398.2, residues 669-689): EKEKIAEQVA[Asp679Val]FKKVKSKLDA

ClinVar aggregate classification (germline): Uncertain significance. Review status: criteria provided, multiple submitters, no conflicts (2 of 4 stars). 2 submissions from 2 submitters: Uncertain significance (2). Last evaluated 2025-08-31.

Conditions:
Arrhythmogenic right ventricular dysplasia 13. Also called: Arrhythmogenic right ventricular dysplasia, familial, 13; ARRHYTHMOGENIC RIGHT VENTRICULAR CARDIOMYOPATHY 13. Identifiers: MedGen C3810138, MONDO:0000908, OMIM 615616.

Allele frequency attached by ClinVar (database versions not stated): ExAC 0.00001; gnomAD exomes 0.00001.
gnomAD v4.1: 5 of 1,613,642 alleles (0.00031%); highest among the groups gnomAD compares: Admixed American, 0.0083%; no homozygotes.

Submissions (2):

Labcorp Genetics (formerly Invitae), Labcorp
Classification: Uncertain significance for Arrhythmogenic right ventricular dysplasia 13. Last evaluated: 2025-08-31. Review status: criteria provided, single submitter. Criteria: Invitae Variant Classification Sherloc (09022015). Collection method: clinical testing. Allele origin: germline.
Comment: This sequence change replaces aspartic acid, which is acidic and polar, with valine, which is neutral and non-polar, at codon 679 of the CTNNA3 protein (p.Asp679Val). This variant is present in population databases (rs777251738, gnomAD 0.01%). This variant has not been reported in the literature in individuals affected with CTNNA3-related conditions. ClinVar contains an entry for this variant (Variation ID: 1784817). Invitae Evidence Modeling of protein sequence and biophysical properties (such as structural, functional, and spatial information, amino acid conservation, physicochemical variation, residue mobility, and thermodynamic stability) indicates that this missense variant is not expected to disrupt CTNNA3 protein function with a negative predictive value of 80%. In summary, the available evidence is currently insufficient to determine the role of this variant in disease. Therefore, it has been classified as a Variant of Uncertain Significance.

Ambry Genetics
Classification: Uncertain significance. Last evaluated: 2024-09-20. Review status: criteria provided, single submitter. Criteria: Ambry Variant Classification Scheme 2023. Collection method: clinical testing. Allele origin: germline.
Comment: The p.D679V variant (also known as c.2036A>T), located in coding exon 14 of the CTNNA3 gene, results from an A to T substitution at nucleotide position 2036. The aspartic acid at codon 679 is replaced by valine, an amino acid with highly dissimilar properties. This amino acid position is conserved. In addition, this alteration is predicted to be tolerated by in silico analysis. Since supporting evidence is limited at this time, the clinical significance of this alteration remains unclear.